The following is an entry in ClinVar:

ClinVar aggregate classification (germline): Uncertain significance (1 of 4 stars; one submission).

Conditions:
C3 glomerulonephritis. Also called: C3 GLOMERULOPATHY 3; Nephropathy due to CFHR5 Deficiency. Identifiers: Orphanet 329931, MedGen C4055342, MONDO:0013892, OMIM 614809.

Submission:

Genomenon, Inc
Classification: Uncertain significance for C3 glomerulonephritis. Last evaluated: 2025-09-30. Review status: criteria provided, single submitter. Criteria: Genomenon Sequence Variant Interpretation Standards. Collection method: curation. Allele origin: germline. Affected: yes.
Comment: C3 p.Cys694Phe (c.2081G>T) is a missense variant that changes the amino acid at residue 694 from Cysteine to Phenylalanine. This variant has been observed in at least one proband affected with C3 glomerulonephritis (PMID:38344720). It is absent or not present at a significant frequency in gnomAD. In conclusion, we classify C3 p.Cys694Phe (c.2081G>T) as a variant of unknown significance.

Literature cited by the submitters: PubMed 38344720.

NM_000064.4(C3):c.2081G>T (p.Cys694Phe)

Gene: C3 (complement C3; minus strand). Cytogenetic location: 19p13.3.
Variant type: single nucleotide variant.
Coding change: c.2081G>T on transcript NM_000064.4 (MANE Select); coding-DNA position 2081, G replaced by T.
Protein change: p.Cys694Phe; replaces cysteine 694 with phenylalanine.
Molecular consequence: missense variant.
Genome position (GRCh38, 1-based): chr19:6,707,240, C>A on the plus strand (G>T on the coding strand, the complement: C3 is on the minus strand). VCF-style: chr19-6707240-C-A. GRCh37 (hg19) VCF-style: chr19-6707251-C-A.
Other names: short protein forms C694F.
Identifiers: ClinVar variation 4280151 (VCV004280151.1).